The following is an entry in ClinVar:

ClinVar aggregate classification (germline): Uncertain significance. Review status: criteria provided, multiple submitters, no conflicts (2 of 4 stars). 3 submissions from 3 submitters: Uncertain significance (3). Last evaluated 2026-07-21.

Conditions:
DIAPH3-related disorder. Also called: DIAPH3-related condition.

gnomAD v4.1: 28 of 1,613,654 alleles (0.0017%); highest among the groups gnomAD compares: Middle Eastern, 0.049%; 1 homozygote.

Submissions (3):

PreventionGenetics, part of Exact Sciences
Classification: Uncertain significance for DIAPH3-related condition. Last evaluated: 2026-07-21. Review status: criteria provided, single submitter. Criteria: ACMG Guidelines, 2015. Collection method: clinical testing. Allele origin: germline.
Comment: The DIAPH3 c.2803G>A variant is predicted to result in the amino acid substitution p.Glu935Lys. To our knowledge, this variant has not been reported in the literature. This variant is reported in 0.0033% of alleles in individuals of South Asian descent in gnomAD. At this time, the clinical significance of this variant is uncertain due to the absence of conclusive functional and genetic evidence.

Ambry Genetics
Classification: Uncertain significance. Last evaluated: 2025-08-23. Review status: criteria provided, single submitter. Criteria: Ambry Variant Classification Scheme 2023. Collection method: clinical testing. Allele origin: germline.

Labcorp Genetics (formerly Invitae), Labcorp
Classification: Uncertain significance. Last evaluated: 2024-08-08. Review status: criteria provided, single submitter. Criteria: Invitae Variant Classification Sherloc (09022015). Collection method: clinical testing. Allele origin: germline.
Comment: This sequence change replaces glutamic acid, which is acidic and polar, with lysine, which is basic and polar, at codon 935 of the DIAPH3 protein (p.Glu935Lys). This variant is present in population databases (rs753942693, gnomAD 0.003%). This variant has not been reported in the literature in individuals affected with DIAPH3-related conditions. An algorithm developed to predict the effect of missense changes on protein structure and function (PolyPhen-2) suggests that this variant is likely to be tolerated. In summary, the available evidence is currently insufficient to determine the role of this variant in disease. Therefore, it has been classified as a Variant of Uncertain Significance.

NM_001042517.2(DIAPH3):c.2803G>A (p.Glu935Lys)

Gene: DIAPH3 (diaphanous related formin 3; minus strand). Cytogenetic location: 13q21.2.
Variant type: single nucleotide variant.
Coding change: c.2803G>A on transcript NM_001042517.2 (MANE Select); coding-DNA position 2803, G replaced by A.
Protein change: p.Glu935Lys; replaces glutamic acid 935 with lysine.
Molecular consequence: missense variant.
Genome position (GRCh38, 1-based): chr13:59,839,383, C>T on the plus strand (G>A on the coding strand, the complement: DIAPH3 is on the minus strand). VCF-style: chr13-59839383-C-T. GRCh37 (hg19) VCF-style: chr13-60413517-C-T.
Other names: c.2770G>A, p.Glu924Lys (NM_001258366.2); c.2665G>A, p.Glu889Lys (NM_001258367.2); c.2593G>A, p.Glu865Lys (NM_001258368.2); c.2803G>A, p.Glu935Lys (NM_001258369.2); c.2014G>A, p.Glu672Lys (NM_030932.4); c.2803G>A (NM_001042517.1); short protein forms E672K, E865K, E889K, E924K, E935K.
Identifiers: ClinVar variation 3608876 (VCV003608876.4).